The following is an entry in ClinVar:

NM_005027.4(PIK3R2):c.576dup (p.Glu193fs)

Genes: PIK3R2 (phosphoinositide-3-kinase regulatory subunit 2; plus strand), LOC130063979 (ATAC-STARR-seq lymphoblastoid silent region 10375; plus strand). Cytogenetic location: 19p13.11.
Variant type: Duplication.
Coding change: c.576dup on transcript NM_005027.4 (MANE Select); coding-DNA position 576, one base duplicated (C; older notation c.576dupC).
Protein change: p.Glu193fs; shifts the reading frame from glutamic acid 193.
Molecular consequence: frameshift variant. On other transcripts: non-coding transcript variant (2).
Genome position (GRCh38, 1-based): chr19:18,161,163, C duplicated; the last of 2 consecutive C bases (chr19:18,161,162-18,161,163); duplicating either gives the same sequence. VCF-style (leftmost placement, unchanged base first): chr19-18161161-G-GC. GRCh37 (hg19) VCF-style: chr19-18271971-G-GC.
Other names: short protein forms E193fs.
Identifiers: ClinVar variation 3725567 (VCV003725567.2).

ClinVar aggregate classification (germline): Uncertain significance (1 of 4 stars; one submission).

Conditions:
Megalencephaly-polymicrogyria-postaxial polydactyly-hydrocephalus syndrome. Also called: MEG-PMG-MEGACC SYNDROME; MPPH Syndrome. Identifiers: Orphanet 83473, MedGen C1863924, MONDO:0019375.

Submission:

Labcorp Genetics (formerly Invitae), Labcorp
Classification: Uncertain significance for Megalencephaly-polymicrogyria-postaxial polydactyly-hydrocephalus syndrome. Last evaluated: 2024-11-19. Review status: criteria provided, single submitter. Criteria: Invitae Variant Classification Sherloc (09022015). Collection method: clinical testing. Allele origin: germline.
Comment: This sequence change creates a premature translational stop signal (p.Glu193Argfs*82) in the PIK3R2 gene. It is expected to result in an absent or disrupted protein product. However, the current clinical and genetic evidence is not sufficient to establish whether loss-of-function variants in PIK3R2 cause disease. This variant is not present in population databases (gnomAD no frequency). This variant has not been reported in the literature in individuals affected with PIK3R2-related conditions. In summary, the available evidence is currently insufficient to determine the role of this variant in disease. Therefore, it has been classified as a Variant of Uncertain Significance.